The following is an entry in ClinVar:

ClinVar aggregate classification (germline): Pathogenic (1 of 4 stars; one submission).

Conditions:
Achondrogenesis, type IB (ACG1B). Also called: Achondrogenesis Type 1B. Identifiers: Orphanet 932, Orphanet 93298, MedGen C0265274, MONDO:0010966, OMIM 600972.
Diastrophic dysplasia (DTD). Also called: Diastrophic dwarfism. Identifiers: Orphanet 628, MedGen C0220726, MONDO:0009107, OMIM 222600.
Multiple epiphyseal dysplasia type 4 (EDM4). Also called: Multiple Epiphyseal Dysplasia, Recessive; MULTIPLE EPIPHYSEAL DYSPLASIA WITH BILAYERED PATELLAE; MULTIPLE EPIPHYSEAL DYSPLASIA WITH CLUBFOOT; MULTIPLE EPIPHYSEAL DYSPLASIA, AUTOSOMAL RECESSIVE; SLC26A2-Related Multiple Epiphyseal Dysplasia. Identifiers: Orphanet 93307, MedGen C1847593, MONDO:0009189, OMIM 226900.
Atelosteogenesis type II (AO2). Also called: NEONATAL OSSEOUS DYSPLASIA I; SLC26A2-Related Atelosteogenesis; Neonatal osseous dysplasia 1. Identifiers: Orphanet 56304, MedGen C1850554, MONDO:0009727, OMIM 256050.

Submission:

Labcorp Genetics (formerly Invitae), Labcorp
Classification: Pathogenic for Atelosteogenesis type II; Multiple epiphyseal dysplasia type 4; Achondrogenesis, type IB; Diastrophic dysplasia. Last evaluated: 2022-01-17. Review status: criteria provided, single submitter. Criteria: Invitae Variant Classification Sherloc (09022015). Collection method: clinical testing. Allele origin: germline.
Comment: This variant is not present in population databases (gnomAD no frequency). For these reasons, this variant has been classified as Pathogenic. This variant disrupts a region of the SLC26A2 protein in which other variant(s) (p.Ala715Val) have been determined to be pathogenic (PMID: 8571951, 21077204, 21922596; Invitae). This suggests that this is a clinically significant region of the protein, and that variants that disrupt it are likely to be disease-causing. This variant has not been reported in the literature in individuals affected with SLC26A2-related conditions. This sequence change creates a premature translational stop signal (p.Tyr589*) in the SLC26A2 gene. While this is not anticipated to result in nonsense mediated decay, it is expected to disrupt the last 151 amino acid(s) of the SLC26A2 protein.

Literature cited by the submitters: PubMed 8571951; PubMed 21077204; PubMed 21922596.

NM_000112.4(SLC26A2):c.1767C>A (p.Tyr589Ter)

Gene: SLC26A2 (solute carrier family 26 member 2; plus strand). Cytogenetic location: 5q32.
Variant type: single nucleotide variant.
Coding change: c.1767C>A on transcript NM_000112.4 (MANE Select); coding-DNA position 1767, C replaced by A.
Protein change: p.Tyr589Ter; replaces tyrosine 589 with a stop codon.
Molecular consequence: nonsense.
Genome position (GRCh38, 1-based): chr5:149,981,360, C>A. VCF-style: chr5-149981360-C-A. GRCh37 (hg19) VCF-style: chr5-149360923-C-A.
Other names: short protein forms Y589*.
Identifiers: ClinVar variation 2086698 (VCV002086698.4), dbSNP rs2113699208, ClinGen allele CA361708735.